The following is an entry in ClinVar:

NM_033109.5(PNPT1):c.297+11_297+12delinsAA

Gene: PNPT1 (polyribonucleotide nucleotidyltransferase 1; minus strand). Cytogenetic location: 2p16.1.
Variant type: Indel.
Coding change: c.297+11_297+12delinsAA on transcript NM_033109.5 (MANE Select); bases 11 to 12 of the intron after coding-DNA position 297, GC replaced by AA.
Molecular consequence: intron variant.
Genome position (GRCh38, 1-based): chr2:55,686,358-55,686,359, GC replaced by TT on the plus strand (GC replaced by AA on the coding strand, the reverse complement: PNPT1 is on the minus strand). VCF-style: chr2-55686358-GC-TT. GRCh37 (hg19) VCF-style: chr2-55913493-GC-TT.
Identifiers: ClinVar variation 1920916 (VCV001920916.5), dbSNP rs2529623189, ClinGen allele CA2580067461.

ClinVar aggregate classification (germline): Uncertain significance (1 of 4 stars; one submission).

Submission:

Labcorp Genetics (formerly Invitae), Labcorp
Classification: Uncertain significance. Last evaluated: 2022-08-05. Review status: criteria provided, single submitter. Criteria: Invitae Variant Classification Sherloc (09022015). Collection method: clinical testing. Allele origin: germline.
Comment: In summary, the available evidence is currently insufficient to determine the role of this variant in disease. Therefore, it has been classified as a Variant of Uncertain Significance. Experimental studies and prediction algorithms are not available or were not evaluated, and the effect of this variant on mRNA splicing is currently unknown. This variant has not been reported in the literature in individuals affected with PNPT1-related conditions. Information on the frequency of this variant in the gnomAD database is not available, as this variant may be reported differently in the database. This sequence change falls in intron 3 of the PNPT1 gene. It does not directly change the encoded amino acid sequence of the PNPT1 protein.